The following is an entry in ClinVar:

ClinVar aggregate classification (germline): Uncertain significance. Review status: criteria provided, multiple submitters, no conflicts (2 of 4 stars). 2 submissions from 2 submitters: Uncertain significance (2). Last evaluated 2024-04-09.

Allele frequency attached by ClinVar (database versions not stated): TOPMed below 0.00001; gnomAD 0.00001.
gnomAD v4.1: 2 of 1,605,976 alleles (0.00012%); highest among the groups gnomAD compares: East Asian, 0.0022%; no homozygotes.

Submissions (2):

Labcorp Genetics (formerly Invitae), Labcorp
Classification: Uncertain significance. Last evaluated: 2024-04-09. Review status: criteria provided, single submitter. Criteria: Invitae Variant Classification Sherloc (09022015). Collection method: clinical testing. Allele origin: germline.
Comment: This sequence change replaces arginine, which is basic and polar, with histidine, which is basic and polar, at codon 466 of the BLK protein (p.Arg466His). This variant is not present in population databases (gnomAD no frequency). This variant has not been reported in the literature in individuals affected with BLK-related conditions. Algorithms developed to predict the effect of missense changes on protein structure and function output the following: SIFT: "Not Available"; PolyPhen-2: "Benign"; Align-GVGD: "Not Available". The histidine amino acid residue is found in multiple mammalian species, which suggests that this missense change does not adversely affect protein function. In summary, the available evidence is currently insufficient to determine the role of this variant in disease. Therefore, it has been classified as a Variant of Uncertain Significance.

Ambry Genetics
Classification: Uncertain significance. Last evaluated: 2024-02-05. Review status: criteria provided, single submitter. Criteria: Ambry Variant Classification Scheme 2023. Collection method: clinical testing. Allele origin: germline.

NM_001715.3(BLK):c.1397G>A (p.Arg466His)

Gene: BLK (BLK proto-oncogene, Src family tyrosine kinase). Cytogenetic location: 8p23.1.
Variant type: single nucleotide variant.
Coding change: c.1397G>A on transcript NM_001715.3 (MANE Select); coding-DNA position 1397, G replaced by A.
Protein change: p.Arg466His; replaces arginine 466 with histidine.
Molecular consequence: missense variant.
Genome position (GRCh38, 1-based): chr8:11,563,987, G>A. VCF-style: chr8-11563987-G-A. GRCh37 (hg19) VCF-style: chr8-11421496-G-A.
Other names: c.1184G>A, p.Arg395His (NM_001330465.2); short protein forms R466H, R395H.
Identifiers: ClinVar variation 3134124 (VCV003134124.3), dbSNP rs1181355220, ClinGen allele CA370316781.